The following is an entry in ClinVar:

ClinVar aggregate classification (germline): Pathogenic (1 of 4 stars; one submission).

Allele frequency attached by ClinVar (database versions not stated): gnomAD exomes below 0.00001.
gnomAD v4.1: 1 of 1,611,858 alleles (0.000062%); highest among the groups gnomAD compares: Non-Finnish European, 0.000085%; no homozygotes.

Submission:

Labcorp Genetics (formerly Invitae), Labcorp
Classification: Pathogenic. Last evaluated: 2024-07-30. Review status: criteria provided, single submitter. Criteria: Invitae Variant Classification Sherloc (09022015). Collection method: clinical testing. Allele origin: germline.
Comment: This sequence change creates a premature translational stop signal (p.Gln409*) in the COQ8A gene. It is expected to result in an absent or disrupted protein product. Loss-of-function variants in COQ8A are known to be pathogenic (PMID: 18319074, 20580948). This variant is not present in population databases (gnomAD no frequency). This variant has not been reported in the literature in individuals affected with COQ8A-related conditions. For these reasons, this variant has been classified as Pathogenic.

Literature cited by the submitters: PubMed 18319074; PubMed 20580948.

NM_020247.5(COQ8A):c.1225C>T (p.Gln409Ter)

Gene: COQ8A (coenzyme Q8A; plus strand). Cytogenetic location: 1q42.13.
Variant type: single nucleotide variant.
Coding change: c.1225C>T on transcript NM_020247.5 (MANE Select); coding-DNA position 1225, C replaced by T.
Protein change: p.Gln409Ter; replaces glutamine 409 with a stop codon.
Molecular consequence: nonsense.
Genome position (GRCh38, 1-based): chr1:226,983,823, C>T. VCF-style: chr1-226983823-C-T. GRCh37 (hg19) VCF-style: chr1-227171524-C-T.
Other names: short protein forms Q409*.
Identifiers: ClinVar variation 2986412 (VCV002986412.3), dbSNP rs2528380839, ClinGen allele CA345054286.